The following is an entry in ClinVar:

ClinVar aggregate classification (germline): Uncertain significance (1 of 4 stars; one submission).

Conditions:
Chuvash polycythemia. Also called: POLYCYTHEMIA, VHL-DEPENDENT. Identifiers: Orphanet 238557, MedGen C1837915, MONDO:0009892, OMIM 263400.
Von Hippel-Lindau syndrome (VHLS). Also called: von Hippel–Lindau syndrome; VHL syndrome; Von Hippel-Lindau. Identifiers: Orphanet 892, MedGen C0019562, MONDO:0008667, OMIM 193300. Disease mechanism: loss of function.

Submission:

Labcorp Genetics (formerly Invitae), Labcorp
Classification: Uncertain significance for Von Hippel-Lindau syndrome; Chuvash polycythemia. Last evaluated: 2025-06-03. Review status: criteria provided, single submitter. Criteria: Invitae Variant Classification Sherloc (09022015). Collection method: clinical testing. Allele origin: germline.
Comment: This sequence change falls in intron 1 of the VHL gene. It is not expected to change the encoded amino acid sequence of the VHL protein. However, this sequence change falls within a cryptic exon in the VHL gene, known as exon E1’, which is naturally expressed at low levels in several human tissues (PMID: 29891534). This variant is not present in population databases (gnomAD no frequency). This variant has not been reported in the literature in individuals affected with VHL-related conditions. Algorithms developed to predict the effect of sequence changes on RNA splicing suggest that this variant is not likely to affect RNA splicing. In summary, the available evidence is currently insufficient to determine the role of this variant in disease. Therefore, it has been classified as a Variant of Uncertain Significance.

Literature cited by the submitters: PubMed 29891534.

NM_000551.4(VHL):c.340+588C>T

Genes: VHL (von Hippel-Lindau tumor suppressor; plus strand), LOC107303340 (3p25 von Hippel-Lindau tumor suppressor, E3 ubiquitin protein ligase Alu-mediated recombination region; plus strand). Cytogenetic location: 3p25.3.
Variant type: single nucleotide variant.
Coding change: c.340+588C>T on transcript NM_000551.4 (MANE Select); 588 bases into the intron after coding-DNA position 340, C replaced by T.
Molecular consequence: intron variant. On other transcripts: missense variant (1), non-coding transcript variant (1).
Genome position (GRCh38, 1-based): chr3:10,142,775, C>T. VCF-style: chr3-10142775-C-T. GRCh37 (hg19) VCF-style: chr3-10184459-C-T.
Other names: c.353C>T, p.Pro118Leu (NM_001354723.2); c.340+588C>T (NM_198156.3); short protein forms P118L.
Identifiers: ClinVar variation 4793843 (VCV004793843.1).
Genomic context (GRCh38, chr3:10,142,775, plus strand): 5'-ATTTTCCCCTCAAAGAAAAGCTGCATCCTTAACACCCCATCTGTTCAGTCCTCATGACTC[C>T]AGTGGGCCAGTTCTGCGTAGTCCCTGCCCTCGTGGAGAACACATTCCTCCTGGGGAGACT-3'